The following is an entry in ClinVar:

NM_003823.4(TNFRSF6B):c.411C>T (p.Gly137=)

Genes: RTEL1-TNFRSF6B (RTEL1-TNFRSF6B readthrough (NMD candidate); plus strand), TNFRSF6B (TNF receptor superfamily member 6b; plus strand). Cytogenetic location: 20q13.33.
Variant type: single nucleotide variant.
Coding change: c.411C>T on transcript NM_003823.4 (MANE Select); coding-DNA position 411, C replaced by T.
Protein change: p.Gly137=; no amino-acid change (glycine 137 retained).
Molecular consequence: synonymous variant. On other transcripts: non-coding transcript variant (1).
Genome position (GRCh38, 1-based): chr20:63,697,178, C>T. VCF-style: chr20-63697178-C-T. GRCh37 (hg19) VCF-style: chr20-62328531-C-T.
Identifiers: ClinVar variation 714119 (VCV000714119.35), dbSNP rs189756453, ClinGen allele CA9966439.

ClinVar aggregate classification (germline): Benign/Likely benign. Review status: criteria provided, multiple submitters, no conflicts (2 of 4 stars). 3 submissions from 3 submitters: Benign (2); Likely benign (1). Last evaluated 2026-02-01.

Allele frequency attached by ClinVar (database versions not stated): 1000 Genomes Project 0.00280; 1000 Genomes Project 30x 0.00312; gnomAD 0.00324 and 0.00333; ESP Exome Variant Server 0.00352; gnomAD exomes 0.00356 and 0.00428; TOPMed 0.00371; ExAC 0.00785.
gnomAD v4.1: 5,621 of 1,561,662 alleles (0.36%); highest among the groups gnomAD compares: Middle Eastern, 2.1%; 30 homozygotes.

Submissions (3):

Labcorp Genetics (formerly Invitae), Labcorp
Classification: Benign. Last evaluated: 2026-02-01. Review status: criteria provided, single submitter. Criteria: Invitae Variant Classification Sherloc (09022015). Collection method: clinical testing. Allele origin: germline.

CeGaT Center for Human Genetics Tuebingen
Classification: Likely benign. Last evaluated: 2025-03-01. Review status: criteria provided, single submitter. Criteria: CeGaT Center For Human Genetics Tuebingen Variant Classification Criteria Version 2. Collection method: clinical testing. Allele origin: germline. Affected: yes. Observed: 2 variant alleles.
Comment: RTEL1-TNFRSF6B: BS2

Breakthrough Genomics
Classification: Benign. Review status: criteria provided, single submitter. Criteria: ACMG Guidelines, 2015. Collection method: not provided. Allele origin: germline. Inheritance: Unknown mechanism. Affected: yes.